The following is an entry in ClinVar:

NM_006648.4(WNK2):c.2686G>A (p.Ala896Thr)

Gene: WNK2 (WNK lysine deficient protein kinase 2; plus strand). Cytogenetic location: 9q22.31.
Variant type: single nucleotide variant.
Coding change: c.2686G>A on transcript NM_006648.4 (MANE Select); coding-DNA position 2686, G replaced by A.
Protein change: p.Ala896Thr; replaces alanine 896 with threonine.
Molecular consequence: missense variant.
Genome position (GRCh38, 1-based): chr9:93,259,234, G>A. VCF-style: chr9-93259234-G-A. GRCh37 (hg19) VCF-style: chr9-96021516-G-A.
Other names: c.2686G>A, p.Ala896Thr (NM_001282394.3); short protein forms A896T.
Identifiers: ClinVar variation 3981785 (VCV003981785.1).

ClinVar aggregate classification (germline): Uncertain significance (1 of 4 stars; one submission).

gnomAD v4.1: 1 of 1,613,234 alleles (0.000062%); highest among the groups gnomAD compares: Non-Finnish European, 0.000085%; no homozygotes.

Submission:

Ambry Genetics
Classification: Uncertain significance. Last evaluated: 2025-04-01. Review status: criteria provided, single submitter. Criteria: Ambry Variant Classification Scheme 2023. Collection method: clinical testing. Allele origin: germline.
Comment: The p.A896T variant (also known as c.2686G>A), located in coding exon 11 of the WNK2 gene, results from a G to A substitution at nucleotide position 2686. The alanine at codon 896 is replaced by threonine, an amino acid with similar properties. This amino acid position is conserved. In addition, this alteration is predicted to be tolerated by in silico analysis. Based on the available evidence, the clinical significance of this variant remains unclear.